The following is an entry in ClinVar:

NM_015450.3(POT1):c.1294C>T (p.Arg432Ter)

Gene: POT1 (protection of telomeres 1; minus strand). Cytogenetic location: 7q31.33.
Variant type: single nucleotide variant.
Coding change: c.1294C>T on transcript NM_015450.3 (MANE Select); coding-DNA position 1294, C replaced by T.
Protein change: p.Arg432Ter; replaces arginine 432 with a stop codon.
Molecular consequence: nonsense. On other transcripts: non-coding transcript variant (3).
Genome position (GRCh38, 1-based): chr7:124,841,048, G>A on the plus strand (C>T on the coding strand, the complement: POT1 is on the minus strand). VCF-style: chr7-124841048-G-A. GRCh37 (hg19) VCF-style: chr7-124481102-G-A.
Other names: c.901C>T, p.Arg301Ter (NM_001042594.2); short protein forms R432*, R301*.
Identifiers: ClinVar variation 541876 (VCV000541876.13), dbSNP rs758341603, ClinGen allele CA4465172.

ClinVar aggregate classification (germline): Conflicting classifications of pathogenicity. Review status: criteria provided, conflicting classifications (1 of 4 stars). 5 submissions from 5 submitters: Pathogenic (4); Uncertain significance (1). Last evaluated 2026-01-26.

Conditions:
Hoyeraal-Hreidarsson syndrome (HHS). Also called: CEREBELLAR HYPOPLASIA WITH PANCYTOPENIA. Identifiers: Orphanet 3322, MedGen C1846142, MONDO:0018045.
Tumor predisposition syndrome 3 (TPDS3). Also called: Glioma susceptibility 9; LONG TELOMERE SYNDROME, POT1-RELATED; POT1 Tumor Predisposition; Melanoma, cutaneous malignant, susceptibility to, 10. Identifiers: Orphanet 618, MedGen C4014476, MONDO:0014368, OMIM 615848.
Long telomere syndrome.
Hereditary cancer-predisposing syndrome. Also called: Hereditary Cancer Syndrome; Neoplastic Syndromes, Hereditary; Hereditary neoplastic syndrome; Tumor predisposition. Identifiers: Orphanet 140162, MedGen C0027672, MeSH D009386, MONDO:0015356.

Allele frequency attached by ClinVar (database versions not stated): gnomAD exomes below 0.00001; ExAC 0.00001.
gnomAD v4.1: 5 of 1,612,168 alleles (0.00031%); highest among the groups gnomAD compares: South Asian, 0.0022%; no homozygotes.

Submissions (5):

Labcorp Genetics (formerly Invitae), Labcorp
Classification: Pathogenic for Tumor predisposition syndrome 3. Last evaluated: 2026-01-26. Review status: criteria provided, single submitter. Criteria: Invitae Variant Classification Sherloc (09022015). Collection method: clinical testing. Allele origin: germline.
Comment: This sequence change creates a premature translational stop signal (p.Arg432*) in the POT1 gene. It is expected to result in an absent or disrupted protein product. Loss-of-function variants in POT1 are known to be pathogenic (PMID: 32155570). This variant is present in population databases (rs758341603, gnomAD 0.003%). This premature translational stop signal has been observed in individual(s) with sarcoma (PMID: 29625052). ClinVar contains an entry for this variant (Variation ID: 541876). RNA analysis performed to evaluate the impact of this premature translational stop signal on mRNA splicing indicates it does not significantly alter splicing (internal data). For these reasons, this variant has been classified as Pathogenic.

The Telomere Center at Johns Hopkins, Johns Hopkins University School of Medicine
Classification: Pathogenic for Long Telomere Syndrome. Last evaluated: 2025-12-23. Review status: criteria provided, single submitter. Criteria: Davidson-Swinton et al. (Blood. 2026). Collection method: clinical testing. Allele origin: germline. Affected: yes.

Institute for Genomic Medicine (IGM) Clinical Laboratory, Nationwide Children's Hospital
Classification: Pathogenic for Tumor predisposition syndrome 3. Last evaluated: 2025-10-01. Review status: criteria provided, single submitter. Criteria: ACMG Guidelines, 2015. Collection method: clinical testing. Allele origin: germline.
Comment: This variant is predicted to result in loss of function through nonsense-mediated decay of the encoded transcript or premature truncation of the encoded protein in a gene in which loss of function is a known mechanism of disease (ACMG/AMP: PVS1; PMIDs:32155570, 24686849). This variant has been reported at an elevated frequency in affected individuals/in multiple affected individuals in the literature (ACMG/AMP: PS4_Supporting; PMIDs:25252913, 29625052). This variant is absent from or present at an exceedingly low frequency in gnomAD, a large-scale control population database (ACMG/AMP: PM2).

Ambry Genetics
Classification: Pathogenic for Hereditary cancer-predisposing syndrome. Last evaluated: 2024-03-23. Review status: criteria provided, single submitter. Criteria: Ambry Variant Classification Scheme 2023. Collection method: clinical testing. Allele origin: germline.
Comment: The p.R432* pathogenic mutation (also known as c.1294C>T), located in coding exon 10 of the POT1 gene, results from a C to T substitution at nucleotide position 1294. This changes the amino acid from an arginine to a stop codon within coding exon 10. This variant has been identified in an individual diagnosed with sarcoma from The Cancer Genome Atlas (TCGA) (Huang KL et al. Cell, 2018 Apr;173:355-370.e14). In addition to the clinical data presented in the literature, this alteration is expected to result in loss of function by premature protein truncation or nonsense-mediated mRNA decay. As such, this alteration is interpreted as a disease-causing mutation.

Bone Marrow Failure laboratory, Queen Mary University London
Classification: Uncertain significance for Hoyeraal-Hreidarsson syndrome. Review status: criteria provided, single submitter. Criteria: ACMG Guidelines, 2015. Collection method: research. Allele origin: germline. Affected: yes. Observed: 1 heterozygote.

Literature cited by the submitters: PubMed 32155570 (cited by Labcorp Genetics (formerly Invitae), Labcorp and Institute for Genomic Medicine (IGM) Clinical Laboratory, Nationwide Children's Hospital); PubMed 29625052 (cited by 3 submitters); PubMed 24686849 (cited by Institute for Genomic Medicine (IGM) Clinical Laboratory, Nationwide Children's Hospital); PubMed 25252913 (cited by Institute for Genomic Medicine (IGM) Clinical Laboratory, Nationwide Children's Hospital); PubMed 36113475 (cited by Ambry Genetics).